The following is an entry in ClinVar:

NM_012330.4(KAT6B):c.4599_4601del (p.Thr1534del)

Gene: KAT6B (lysine acetyltransferase 6B; plus strand). Cytogenetic location: 10q22.2.
Variant type: Deletion.
Coding change: c.4599_4601del on transcript NM_012330.4 (MANE Select); coding-DNA positions 4599 to 4601, 3 bases deleted (AAC; older notation c.4599_4601delAAC).
Protein change: p.Thr1534del; deletes threonine 1534.
Genome position (GRCh38, 1-based): chr10:75,029,423-75,029,425, AAC deleted; deleting any 3 consecutive bases within chr10:75,029,422-75,029,425 gives the same sequence; the c. name uses the placement nearest the transcript's 3' end. VCF-style (leftmost placement, unchanged base first): chr10-75029421-GCAA-G. GRCh37 (hg19) VCF-style: chr10-76789179-GCAA-G.
Other names: c.4050_4052del, p.Thr1351del (NM_001256468.2, NM_001370138.1); c.3723_3725del, p.Thr1242del (NM_001256469.2, NM_001370139.1, NM_001370140.1 and 2 more transcripts); c.3561_3563del, p.Thr1188del (NM_001370132.1); c.2910_2912del, p.Thr971del (NM_001370133.1); c.3534_3536del, p.Thr1179del (NM_001370144.1, NM_001370143.1); c.2514_2516del, p.Thr839del (NM_001370134.1); c.2256_2258del, p.Thr753del (NM_001370135.1); c.4599_4601del, p.Thr1534del (NM_001370136.1, NM_001370137.1); short protein forms T1188del, T1351del, T1179del, T1242del, T1534del, T839del, T753del, T971del.
Identifiers: ClinVar variation 3597845 (VCV003597845.3).

ClinVar aggregate classification (germline): Uncertain significance. Review status: criteria provided, multiple submitters, no conflicts (2 of 4 stars). 2 submissions from 2 submitters: Uncertain significance (2). Last evaluated 2024-11-29.

Conditions:
Blepharophimosis - intellectual disability syndrome, SBBYS type (SBBYSS). Also called: Ohdo syndrome, SBBYS variant; SBBYSS syndrome; Say-Barber-Biesecker-Young-Simpson syndrome; Say-Barber-Biesecker-Young-Simpson variant of Ohdo Syndrome; Say-Barber-Biesecker Variant of Ohdo Syndrome; Say-Barber-Biesecker variant of Ohdo syndrome (SBBYSS). Identifiers: Orphanet 3047, MedGen C1863557, MONDO:0011365, OMIM 603736.
Genitopatellar syndrome (GTPTS). Also called: ABSENT PATELLAE, SCROTAL HYPOPLASIA, RENAL ANOMALIES, FACIAL DYSMORPHISM, AND MENTAL RETARDATION; Genitopatellar syndrome (GPS). Identifiers: Orphanet 85201, MedGen C1853566, MONDO:0011640, OMIM 606170.

Submissions (2):

Labcorp Genetics (formerly Invitae), Labcorp
Classification: Uncertain significance for Genitopatellar syndrome. Last evaluated: 2024-11-29. Review status: criteria provided, single submitter. Criteria: Invitae Variant Classification Sherloc (09022015). Collection method: clinical testing. Allele origin: germline.
Comment: This variant, c.4599_4601del, results in the deletion of 1 amino acid(s) of the KAT6B protein (p.Thr1534del), but otherwise preserves the integrity of the reading frame. This variant is present in population databases (rs779545571, gnomAD 0.0009%). This variant has not been reported in the literature in individuals affected with KAT6B-related conditions. Experimental studies and prediction algorithms are not available or were not evaluated, and the functional significance of this variant is currently unknown. In summary, the available evidence is currently insufficient to determine the role of this variant in disease. Therefore, it has been classified as a Variant of Uncertain Significance.

Fulgent Genetics
Classification: Uncertain significance for Blepharophimosis - intellectual disability syndrome, SBBYS type; Genitopatellar syndrome. Last evaluated: 2024-04-25. Review status: criteria provided, single submitter. Criteria: ACMG Guidelines, 2015. Collection method: clinical testing. Allele origin: germline.